The following is an entry in ClinVar:

NM_002160.4(TNC):c.98G>A (p.Arg33Gln)

Gene: TNC (tenascin C; minus strand). Cytogenetic location: 9q33.1.
Variant type: single nucleotide variant.
Coding change: c.98G>A on transcript NM_002160.4 (MANE Select); coding-DNA position 98, G replaced by A.
Protein change: p.Arg33Gln; replaces arginine 33 with glutamine.
Molecular consequence: missense variant.
Genome position (GRCh38, 1-based): chr9:115,090,921, C>T on the plus strand (G>A on the coding strand, the complement: TNC is on the minus strand). VCF-style: chr9-115090921-C-T. GRCh37 (hg19) VCF-style: chr9-117853200-C-T.
Other names: c.98G>A, p.Arg33Gln (NM_001410991.1); short protein forms R33Q.
Identifiers: ClinVar variation 3046731 (VCV003046731.2), dbSNP rs150040110, ClinGen allele CA5209144.

ClinVar aggregate classification (germline): Likely benign (0 of 4 stars; one submission).

Conditions:
TNC-related disorder. Also called: TNC-related condition.

Allele frequency attached by ClinVar (database versions not stated): gnomAD exomes 0.00009; ExAC 0.00011; gnomAD 0.00034; TOPMed 0.00036; ESP Exome Variant Server 0.00038; 1000 Genomes Project 0.00060; 1000 Genomes Project 30x 0.00094.
gnomAD v4.1: 184 of 1,614,132 alleles (0.011%); highest among the groups gnomAD compares: African/African-American, 0.084%; no homozygotes.

Submission:

PreventionGenetics, part of Exact Sciences
Classification: Likely benign for TNC-related condition. Last evaluated: 2023-10-09. Review status: no assertion criteria provided. Collection method: clinical testing. Allele origin: germline.
Comment: This variant is classified as likely benign based on ACMG/AMP sequence variant interpretation guidelines (Richards et al. 2015 PMID: 25741868, with internal and published modifications).